The following is an entry in ClinVar:

NM_000091.5(COL4A3):c.2647G>C (p.Gly883Arg)

Genes: COL4A3 (collagen type IV alpha 3 chain; plus strand), MFF-DT (MFF divergent transcript; minus strand). Cytogenetic location: 2q36.3.
Variant type: single nucleotide variant.
Coding change: c.2647G>C on transcript NM_000091.5 (MANE Select); coding-DNA position 2647, G replaced by C.
Protein change: p.Gly883Arg; replaces glycine 883 with arginine.
Molecular consequence: missense variant.
Genome position (GRCh38, 1-based): chr2:227,282,523, G>C. VCF-style: chr2-227282523-G-C. GRCh37 (hg19) VCF-style: chr2-228147239-G-C.
Other names: short protein forms G883R.
Identifiers: ClinVar variation 4852201 (VCV004852201.1).
Genomic context (GRCh38, chr2:227,282,523, plus strand): 5'-CATCAAGGTGAAATGGGACCACTGGGTCAAAGAGGATATCCAGGAAATCCGGGAATTTTA[G>C]GGCCACCAGGTATCCTTTTGTGTGTTTCTATTTTTCTTCTTATTTCTTCTTCTTCTTAAG-3'
Protein context (NP_000082.2, residues 873-893): RGYPGNPGIL[Gly883Arg]PPGEDGVIGM

ClinVar aggregate classification (germline): Likely pathogenic (1 of 4 stars; one submission).

Conditions:
Autosomal recessive COL4A3-related disorders.

Submission:

Variantyx, Inc.
Classification: Likely pathogenic for Autosomal recessive COL4A3-related disorders. Last evaluated: 2025-07-17. Review status: criteria provided, single submitter. Criteria: Variantyx Assertion Criteria 2022. Collection method: clinical testing. Allele origin: germline. Inheritance: Autosomal recessive inheritance. Affected: yes.
Comment: This is a nonsynonymous variant in the COL4A3 gene (OMIM: 120070). Pathogenic variants in this gene have been associated with autosomal recessive COL4A3-related disorders. This variant has been reported in the heterozygous state in at least one individual with glomerulopathy (PMID: 30586318). The alteration lies within a known hotspot for pathogenic variants or a well-established critical functional domain of the COL4A3 protein (PMID: 11134255) (PM1_Strong), and multiple computational algorithms predict a deleterious effect for this variant (REVEL score: 0.967) (PP3). This variant is absent from control populations (PM2). Based on the current evidence, this variant is classified as likely pathogenic for autosomal recessive COL4A3-related disorders.

Literature cited by the submitters: PubMed 30586318; PubMed 11134255.